The following is an entry in ClinVar:

ClinVar aggregate classification (germline): Likely pathogenic (1 of 4 stars; one submission).

Conditions:
Pelizaeus-Merzbacher disease. Also called: LEUKODYSTROPHY, HYPOMYELINATING, 1; Sudanophilic leukodystrophy; Pelizaeus-Merzbacher spectrum disorder; Pelizaeus-Merzbacher Disease (PMD); Pelizeaus-Merzbacher spectrum disorder. Identifiers: Orphanet 702, MedGen C0205711, MONDO:0010714, OMIM 312080, HP:0003269.

Submission:

Molecular Diagnostics Lab, Nemours Children's Health, Delaware
Classification: Likely pathogenic for Pelizaeus-Merzbacher disease. Last evaluated: 2022-01-26. Review status: criteria provided, single submitter. Criteria: ACMG Guidelines, 2015. Collection method: clinical testing. Allele origin: unknown. Inheritance: X-linked inheritance. Affected: yes. Observed: 1 hemizygote.
Comment: This missense variant (c.728C>A, p.Ala243Glu) has not been observed in population databases (gnomAD). It has been described in the literature (PMID 11786921) but no functional studies have been reported. Variant prediction programs support a deleterious effect on the protein. Several functional studies have reported deleterious effects from other changes within the same codon (p.Ala243Ser; PMID31110947, PMID 24521562, PMID 23344956) which further supports a classification of likely pathogenic for this variant.

Literature cited by the submitters: PubMed 11786921.

NM_000533.5(PLP1):c.728C>A (p.Ala243Glu)

Genes: PLP1 (proteolipid protein 1; plus strand), RAB9B (RAB9B, member RAS oncogene family; minus strand). Cytogenetic location: Xq22.2.
Variant type: single nucleotide variant.
Coding change: c.728C>A on transcript NM_000533.5 (MANE Select); coding-DNA position 728, C replaced by A.
Protein change: p.Ala243Glu; replaces alanine 243 with glutamic acid.
Molecular consequence: missense variant.
Genome position (GRCh38, 1-based): chrX:103,789,364, C>A. VCF-style: chrX-103789364-C-A. GRCh37 (hg19) VCF-style: chrX-103044293-C-A.
Other names: c.728C>A, p.Ala243Glu (NM_001128834.3); c.563C>A, p.Ala188Glu (NM_001305004.1); c.623C>A, p.Ala208Glu (NM_199478.3); short protein forms A188E, A208E, A243E.
Identifiers: ClinVar variation 3255451 (VCV003255451.2), dbSNP rs2522322864.
Genomic context (GRCh38, chrX:103,789,364, plus strand): 5'-ACAGTTCTTCCTCTTTCATTTTCCTGCAGTTCCAAATGACCTTCCACCTGTTTATTGCTG[C>A]ATTTGTGGGGGCTGCAGCTACACTGGTTTCCCTGGTGAGTTGACTTTGAATGATCTTGGC-3'
Protein context (NP_000524.3, residues 233-253): FQMTFHLFIA[Ala243Glu]FVGAAATLVS